The following is an entry in ClinVar:

ClinVar aggregate classification (germline): Uncertain significance (1 of 4 stars; one submission).

Submission:

Labcorp Genetics (formerly Invitae), Labcorp
Classification: Uncertain significance. Last evaluated: 2022-09-02. Review status: criteria provided, single submitter. Criteria: Invitae Variant Classification Sherloc (09022015). Collection method: clinical testing. Allele origin: germline.
Comment: In summary, the available evidence is currently insufficient to determine the role of this variant in disease. Therefore, it has been classified as a Variant of Uncertain Significance. Experimental studies and prediction algorithms are not available or were not evaluated, and the effect of this variant on mRNA splicing is currently unknown. This variant has not been reported in the literature in individuals affected with TUBG1-related conditions. Information on the frequency of this variant in the gnomAD database is not available, as this variant may be reported differently in the database. This sequence change falls in intron 5 of the TUBG1 gene. It does not directly change the encoded amino acid sequence of the TUBG1 protein.

NM_001070.5(TUBG1):c.480-6_480-5inv

Gene: TUBG1 (tubulin gamma 1; plus strand). Cytogenetic location: 17q21.2.
Variant type: Inversion.
Coding change: c.480-6_480-5inv on transcript NM_001070.5 (MANE Select).
Molecular consequence: intron variant.
Genome position: GRCh38 VCF-style: chr17-42612941-CA-TG. GRCh37 (hg19) VCF-style: chr17-40764959-CA-TG.
Identifiers: ClinVar variation 1921313 (VCV001921313.5), ClinGen allele CA2580093745.